The following is an entry in ClinVar:

NM_014844.5(TECPR2):c.2578+2T>C

Gene: TECPR2 (tectonin beta-propeller repeat containing 2; plus strand). Cytogenetic location: 14q32.31.
Variant type: single nucleotide variant.
Coding change: c.2578+2T>C on transcript NM_014844.5 (MANE Select); the canonical splice donor site of the intron after coding-DNA position 2578, T replaced by C.
Molecular consequence: splice donor variant.
Genome position (GRCh38, 1-based): chr14:102,438,207, T>C. VCF-style: chr14-102438207-T-C. GRCh37 (hg19) VCF-style: chr14-102904544-T-C.
Other names: c.2578+2T>C (NM_001172631.3).
Identifiers: ClinVar variation 1491687 (VCV001491687.8), dbSNP rs2139736635, ClinGen allele CA391066140.
Genomic context (GRCh38, chr14:102,438,207, plus strand): 5'-CGGGCTGCGCTGGCAGAAGTTTGAAGATGCTGTCCAGCAGGTGGCAGTCTCGCCCTCAGG[T>C]TCGCCTCCCCGCTCCCTGCTCCCGCTCCCTGCTCCCGCTCGCCGCTCCTGCTCCCCGCCC-3'

ClinVar aggregate classification (germline): Likely pathogenic (1 of 4 stars; one submission).

Conditions:
Hereditary spastic paraplegia 49 (HSAN9). Also called: Spastic paraplegia 49, autosomal recessive; TECPR2-Related Hereditary Sensory and Autonomic Neuropathy with Intellectual Disability; NEUROPATHY, HEREDITARY SENSORY AND AUTONOMIC, TYPE IX, WITH DEVELOPMENTAL DELAY. Identifiers: Orphanet 320385, MedGen C5190860, MONDO:0014016, OMIM 615031.

Submission:

Labcorp Genetics (formerly Invitae), Labcorp
Classification: Likely pathogenic for Hereditary spastic paraplegia 49. Last evaluated: 2023-09-21. Review status: criteria provided, single submitter. Criteria: Invitae Variant Classification Sherloc (09022015). Collection method: clinical testing. Allele origin: germline.
Comment: In summary, the currently available evidence indicates that the variant is pathogenic, but additional data are needed to prove that conclusively. Therefore, this variant has been classified as Likely Pathogenic. Algorithms developed to predict the effect of sequence changes on RNA splicing suggest that this variant may disrupt the consensus splice site. This variant is not present in population databases (gnomAD no frequency). This sequence change affects a donor splice site in intron 10 of the TECPR2 gene. It is expected to disrupt RNA splicing. Variants that disrupt the donor or acceptor splice site typically lead to a loss of protein function (PMID: 16199547), and loss-of-function variants in TECPR2 are known to be pathogenic (PMID: 23176824, 25590979). ClinVar contains an entry for this variant (Variation ID: 1491687). This variant has not been reported in the literature in individuals affected with TECPR2-related conditions.

Literature cited by the submitters: PubMed 16199547; PubMed 23176824; PubMed 25590979.